The following is an entry in ClinVar:

ClinVar aggregate classification (germline): Uncertain significance. Review status: criteria provided, multiple submitters, no conflicts (2 of 4 stars). 3 submissions from 3 submitters: Uncertain significance (3). Last evaluated 2025-05-11.

Conditions:
COACH syndrome 3. Identifiers: MedGen C5436841, MONDO:0030862, OMIM 619113.
Meckel syndrome, type 5 (MKS5). Identifiers: Orphanet 564, MedGen C1969052, MONDO:0012695, OMIM 611561.
Joubert syndrome 7 (JBTS7). Identifiers: Orphanet 220497, MedGen C1969053, MONDO:0012694, OMIM 611560.
RPGRIP1L-related disorder. Also called: RPGRIP1L-related disorders; RPGRIP1L-related condition. Identifiers: MedGen CN239416.
Meckel-Gruber syndrome. Also called: DYSENCEPHALIA SPLANCHNOCYSTICA; GRUBER SYNDROME; Dysencephalia splachnocystica. Identifiers: Orphanet 564, MedGen C0265215, MONDO:0018921.
Joubert syndrome. Also called: JOUBERT-BOLTSHAUSER SYNDROME; Familial aplasia of the vermis. Identifiers: Orphanet 475, MedGen C5979921, MONDO:0018772.

Submissions (3):

PreventionGenetics, part of Exact Sciences
Classification: Uncertain significance for RPGRIP1L-related condition. Last evaluated: 2025-05-11. Review status: criteria provided, single submitter. Criteria: ACMG Guidelines, 2015. Collection method: clinical testing. Allele origin: germline.
Comment: The RPGRIP1L c.3811delG variant is predicted to result in a frameshift and premature protein termination (p.Asp1271Thrfs*24). To our knowledge, this variant has not been reported in the literature. This variant is reported in 0.0058% of alleles in individuals of Latino descent in gnomAD. Although we suspect that this variant may be pathogenic, at this time, the clinical significance of this variant is uncertain due to the absence of conclusive functional and genetic evidence.

Fulgent Genetics
Classification: Uncertain significance for Joubert syndrome 7; Meckel syndrome, type 5; COACH syndrome 3. Last evaluated: 2024-02-05. Review status: criteria provided, single submitter. Criteria: ACMG Guidelines, 2015. Collection method: clinical testing. Allele origin: germline.

Labcorp Genetics (formerly Invitae), Labcorp
Classification: Uncertain significance for Joubert syndrome; Meckel-Gruber syndrome. Last evaluated: 2022-06-04. Review status: criteria provided, single submitter. Criteria: Invitae Variant Classification Sherloc (09022015). Collection method: clinical testing. Allele origin: germline.
Comment: In summary, the available evidence is currently insufficient to determine the role of this variant in disease. Therefore, it has been classified as a Variant of Uncertain Significance. ClinVar contains an entry for this variant (Variation ID: 1408000). This variant has not been reported in the literature in individuals affected with RPGRIP1L-related conditions. This variant is present in population databases (rs761954313, gnomAD 0.006%). This sequence change creates a premature translational stop signal (p.Asp1271Thrfs*24) in the RPGRIP1L gene. While this is not anticipated to result in nonsense mediated decay, it is expected to disrupt the last 45 amino acid(s) of the RPGRIP1L protein.

NM_015272.5(RPGRIP1L):c.3811del (p.Asp1271fs)

Gene: RPGRIP1L (RPGRIP1 like; minus strand). Cytogenetic location: 16q12.2.
Variant type: Deletion.
Coding change: c.3811del on transcript NM_015272.5 (MANE Select); coding-DNA position 3811, one base deleted (G; older notation c.3811delG).
Protein change: p.Asp1271fs; shifts the reading frame from aspartic acid 1271.
Molecular consequence: frameshift variant.
Genome position (GRCh38, 1-based): chr16:53,605,505, C deleted on the plus strand (G on the coding strand, the reverse complement: RPGRIP1L is on the minus strand); the first of 3 consecutive C bases (chr16:53,605,505-53,605,507); deleting any one gives the same sequence. VCF-style (leftmost placement, unchanged base first): chr16-53605504-TC-T. GRCh37 (hg19) VCF-style: chr16-53639416-TC-T.
Other names: c.3811delG (NM_015272.4); c.3571del, p.Asp1191fs (NM_001127897.4); c.3673del, p.Asp1225fs (NM_001308334.3); c.3709del, p.Asp1237fs (NM_001330538.2); short protein forms D1191fs, D1225fs, D1271fs, D1237fs.
Identifiers: ClinVar variation 1408000 (VCV001408000.8), dbSNP rs761954313, ClinGen allele CA8057177.